The following is an entry in ClinVar:

ClinVar aggregate classification (germline): Likely benign. Review status: criteria provided, multiple submitters, no conflicts (2 of 4 stars). 3 submissions from 3 submitters: Likely benign (3). Last evaluated 2026-04-30.

Conditions:
PDE6G-related condition.

Allele frequency attached by ClinVar (database versions not stated): ExAC 0.00022; 1000 Genomes Project 0.00080; gnomAD exomes 0.00010 and 0.00020; 1000 Genomes Project 30x 0.00094; gnomAD 0.00094 and 0.00102; TOPMed 0.00095; ESP Exome Variant Server 0.00123.
gnomAD v4.1: 290 of 1,613,866 alleles (0.018%); highest among the groups gnomAD compares: African/African-American, 0.36%; 1 homozygote.

Submissions (3):

PreventionGenetics, part of Exact Sciences
Classification: Likely benign for PDE6G-related condition. Last evaluated: 2026-04-30. Review status: criteria provided, single submitter. Criteria: ACMG Guidelines, 2015. Collection method: clinical testing. Allele origin: germline.
Comment: This variant is classified as likely benign based on ACMG/AMP sequence variant interpretation guidelines (Richards et al. 2015 PMID: 25741868, with internal and published modifications).

Labcorp Genetics (formerly Invitae), Labcorp
Classification: Likely benign. Last evaluated: 2026-02-02. Review status: criteria provided, single submitter. Criteria: Invitae Variant Classification Sherloc (09022015). Collection method: clinical testing. Allele origin: germline.

Blueprint Genetics
Classification: Likely benign. Last evaluated: 2024-10-16. Review status: criteria provided, single submitter. Criteria: ACMG Guidelines, 2015. Collection method: clinical testing. Allele origin: germline.

NM_002602.4(PDE6G):c.74A>G (p.Lys25Arg)

Gene: PDE6G (phosphodiesterase 6G; minus strand). Cytogenetic location: 17q25.3.
Variant type: single nucleotide variant.
Coding change: c.74A>G on transcript NM_002602.4 (MANE Select); coding-DNA position 74, A replaced by G.
Protein change: p.Lys25Arg; replaces lysine 25 with arginine.
Molecular consequence: missense variant.
Genome position (GRCh38, 1-based): chr17:81,653,232, T>C on the plus strand (A>G on the coding strand, the complement: PDE6G is on the minus strand). VCF-style: chr17-81653232-T-C. GRCh37 (hg19) VCF-style: chr17-79620262-T-C.
Other names: c.74A>G, p.Lys25Arg (NM_001365724.1, NM_001365725.1); short protein forms K25R.
Identifiers: ClinVar variation 738861 (VCV000738861.13), dbSNP rs113370432, ClinGen allele CA8839069.